The following is an entry in ClinVar:

ClinVar aggregate classification (germline): Uncertain significance (1 of 4 stars; one submission).

Submission:

Labcorp Genetics (formerly Invitae), Labcorp
Classification: Uncertain significance. Last evaluated: 2021-10-03. Review status: criteria provided, single submitter. Criteria: Invitae Variant Classification Sherloc (09022015). Collection method: clinical testing. Allele origin: germline.
Comment: This sequence change replaces serine with phenylalanine at codon 875 of the HPS3 protein (p.Ser875Phe). The serine residue is moderately conserved and there is a large physicochemical difference between serine and phenylalanine. This variant is not present in population databases (ExAC no frequency). This variant has not been reported in the literature in individuals with HPS3-related conditions. Algorithms developed to predict the effect of missense changes on protein structure and function are either unavailable or do not agree on the potential impact of this missense change (SIFT: "Tolerated"; PolyPhen-2: "Probably Damaging"; Align-GVGD: "Class C0"). In summary, the available evidence is currently insufficient to determine the role of this variant in disease. Therefore, it has been classified as a Variant of Uncertain Significance.

NM_032383.5(HPS3):c.2624C>T (p.Ser875Phe)

Genes: CP (ceruloplasmin; minus strand), HPS3 (HPS3 biogenesis of lysosomal organelles complex 2 subunit 1; plus strand). Cytogenetic location: 3q24.
Variant type: single nucleotide variant.
Coding change: c.2624C>T on transcript NM_032383.5 (MANE Select); coding-DNA position 2624, C replaced by T.
Protein change: p.Ser875Phe; replaces serine 875 with phenylalanine.
Molecular consequence: missense variant.
Genome position (GRCh38, 1-based): chr3:149,167,068, C>T. VCF-style: chr3-149167068-C-T. GRCh37 (hg19) VCF-style: chr3-148884855-C-T.
Other names: c.2129C>T, p.Ser710Phe (NM_001308258.2); short protein forms S710F, S875F.
Identifiers: ClinVar variation 1411781 (VCV001411781.8), dbSNP rs2108184048, ClinGen allele CA354925417.
Genomic context (GRCh38, chr3:149,167,068, plus strand): 5'-ATAACATTTCACTTTTCTGTTCATAGTCTCTTATATGTGGTCCTTCATTTGACATAGCTT[C>T]CATTATTCCGTTCTTGGAGCCACTTTCAGAAGACACTATTGCCGGCCTCAGTGTCCATGT-3'
Protein context (NP_115759.2, residues 865-885): LICGPSFDIA[Ser875Phe]IIPFLEPLSE